The following is an entry in ClinVar:

NM_004370.6(COL12A1):c.3407G>A (p.Gly1136Glu)

Gene: COL12A1 (collagen type XII alpha 1 chain; minus strand). Cytogenetic location: 6q13.
Variant type: single nucleotide variant.
Coding change: c.3407G>A on transcript NM_004370.6 (MANE Select); coding-DNA position 3407, G replaced by A.
Protein change: p.Gly1136Glu; replaces glycine 1136 with glutamic acid.
Molecular consequence: missense variant. On other transcripts: intron variant (1).
Genome position (GRCh38, 1-based): chr6:75,155,698, C>T on the plus strand (G>A on the coding strand, the complement: COL12A1 is on the minus strand). VCF-style: chr6-75155698-C-T. GRCh37 (hg19) VCF-style: chr6-75865414-C-T.
Other names: c.74-3216G>A (NM_080645.3); short protein forms G1136E.
Identifiers: ClinVar variation 2000881 (VCV002000881.4), dbSNP rs2533420658, ClinGen allele CA364752116.

ClinVar aggregate classification (germline): Uncertain significance (1 of 4 stars; one submission).

Conditions:
Ullrich congenital muscular dystrophy 2 (UCMD2). Identifiers: Orphanet 75840, MedGen C4225314, MONDO:0014654, OMIM 616470.
Bethlem myopathy 2 (BTHLM2). Identifiers: Orphanet 536516, Orphanet 610, MedGen C4225313, MONDO:0034022, OMIM 616471.

Submission:

Labcorp Genetics (formerly Invitae), Labcorp
Classification: Uncertain significance for Bethlem myopathy 2; Ullrich congenital muscular dystrophy 2. Last evaluated: 2022-08-26. Review status: criteria provided, single submitter. Criteria: Invitae Variant Classification Sherloc (09022015). Collection method: clinical testing. Allele origin: germline.
Comment: This sequence change replaces glycine, which is neutral and non-polar, with glutamic acid, which is acidic and polar, at codon 1136 of the COL12A1 protein (p.Gly1136Glu). This variant is not present in population databases (gnomAD no frequency). In summary, the available evidence is currently insufficient to determine the role of this variant in disease. Therefore, it has been classified as a Variant of Uncertain Significance. Algorithms developed to predict the effect of missense changes on protein structure and function are either unavailable or do not agree on the potential impact of this missense change (SIFT: "Deleterious"; PolyPhen-2: "Probably Damaging"; Align-GVGD: "Class C0"). This variant has not been reported in the literature in individuals affected with COL12A1-related conditions.